The following is an entry in ClinVar:

NM_001379081.2(FREM1):c.1315G>C (p.Val439Leu)

Gene: FREM1 (FRAS1 related extracellular matrix 1; minus strand). Cytogenetic location: 9p22.3.
Variant type: single nucleotide variant.
Coding change: c.1315G>C on transcript NM_001379081.2 (MANE Select); coding-DNA position 1315, G replaced by C.
Protein change: p.Val439Leu; replaces valine 439 with leucine.
Molecular consequence: missense variant. On other transcripts: non-coding transcript variant (2).
Genome position (GRCh38, 1-based): chr9:14,846,038, C>G on the plus strand (G>C on the coding strand, the complement: FREM1 is on the minus strand). VCF-style: chr9-14846038-C-G. GRCh37 (hg19) VCF-style: chr9-14846036-C-G.
Other names: c.1315G>C, p.Val439Leu (NM_144966.7); short protein forms V439L.
Identifiers: ClinVar variation 262534 (VCV000262534.21), dbSNP rs2779500, ClinGen allele CA4991294.
Genomic context (GRCh38, chr9:14,846,038, plus strand): 5'-CATGCTGCAGGCCACCAACGGTGACTAGCCGGACAGCACCAATGTCGTCATTGTCGACAA[C>G]CTGAAACTGTTCCCAAGTGATGGCTCGAGACTGCCCCTCAAGGAGACTCAGACCTATGAA-3'
Protein context (NP_001366010.1, residues 429-449): SRAITWEQFQ[Val439Leu]VDNDDIGAVR

ClinVar aggregate classification (germline): Benign. Review status: criteria provided, multiple submitters, no conflicts (2 of 4 stars). 10 submissions from 10 submitters: Benign (8). 2 of the submissions do not count toward it. Last evaluated 2026-02-04.

Conditions:
Oculotrichoanal syndrome (MOTA). Also called: MARLES SYNDROME; Manitoba Oculotrichoanal (MOTA) Syndrome. Identifiers: Orphanet 2717, MedGen C1855425, MONDO:0009560, OMIM 248450.

Allele frequency attached by ClinVar (database versions not stated): 1000 Genomes Project 0.50080; 1000 Genomes Project 30x 0.50265; TOPMed 0.53775; gnomAD 0.56393; ESP Exome Variant Server 0.56714; ExAC 0.60087.

Submissions (10):

Labcorp Genetics (formerly Invitae), Labcorp
Classification: Benign. Last evaluated: 2026-02-04. Review status: criteria provided, single submitter. Criteria: Invitae Variant Classification Sherloc (09022015). Collection method: clinical testing. Allele origin: germline.

Blueprint Genetics
Classification: Benign. Last evaluated: 2024-11-27. Review status: criteria provided, single submitter. Criteria: ACMG Guidelines, 2015. Collection method: clinical testing. Allele origin: germline.

Mayo Clinic Laboratories, Mayo Clinic
Classification: Benign. Last evaluated: 2022-03-09. Review status: criteria provided, single submitter. Criteria: ACMG Guidelines, 2015. Collection method: clinical testing. Allele origin: germline. Observed: 56 variant alleles.

Genome-Nilou Lab
Classification: Benign for Oculotrichoanal syndrome. Last evaluated: 2021-08-10. Review status: criteria provided, single submitter. Criteria: ACMG Guidelines, 2015. Collection method: clinical testing. Allele origin: germline. Affected: no.

GeneDx
Classification: Benign. Last evaluated: 2020-04-28. Review status: criteria provided, single submitter. Criteria: GeneDx Variant Classification Process June 2021. Collection method: clinical testing. Allele origin: germline. Affected: yes.

Illumina Laboratory Services, Illumina
Classification: Benign for Oculotrichoanal syndrome. Last evaluated: 2018-01-13. Review status: criteria provided, single submitter. Criteria: ICSL Variant Classification Criteria 13 December 2019. Collection method: clinical testing. Allele origin: germline.
Comment: This variant was observed in the ICSL laboratory as part of a predisposition screen in an ostensibly healthy population. It had not been previously curated by ICSL or reported in the Human Gene Mutation Database (HGMD: prior to June 1st, 2018), and was therefore a candidate for classification through an automated scoring system. Utilizing variant allele frequency, disease prevalence and penetrance estimates, and inheritance mode, an automated score was calculated to assess if this variant is too frequent to cause the disease. Based on the score and internal cut-off values, a variant classified as benign is not then subjected to further curation. The score for this variant resulted in a classification of benign for this disease.

Breakthrough Genomics
Classification: Benign. Review status: criteria provided, single submitter. Criteria: ACMG Guidelines, 2015. Collection method: not provided. Allele origin: germline. Inheritance: Autosomal recessive inheritance. Affected: yes.

PreventionGenetics, part of Exact Sciences
Classification: Benign. Review status: criteria provided, single submitter. Criteria: ACMG Guidelines, 2015. Collection method: clinical testing. Allele origin: germline.

Diagnostic Laboratory, Department of Genetics, University Medical Center Groningen
Classification: Benign. Review status: no assertion criteria provided. Collection method: clinical testing. Allele origin: germline. Affected: yes. Study: VKGL Data-share Consensus. Not counted in ClinVar's aggregate classification.

Genome Diagnostics Laboratory, University Medical Center Utrecht
Classification: Benign. Review status: no assertion criteria provided. Collection method: clinical testing. Allele origin: germline. Affected: yes. Study: VKGL Data-share Consensus. Not counted in ClinVar's aggregate classification.